The following is an entry in ClinVar:

ClinVar aggregate classification (germline): Uncertain significance (1 of 4 stars; one submission).

Conditions:
Agammaglobulinemia 7, autosomal recessive (AGM7). Also called: AGAMMAGLOBULINEMIA, AUTOSOMAL RECESSIVE, DUE TO PIK3R1 DEFECT. Identifiers: MedGen C3554689, MONDO:0014083, OMIM 615214.
SHORT syndrome. Also called: SHORT STATURE, HYPEREXTENSIBILITY, HERNIA, OCULAR DEPRESSION, RIEGER ANOMALY, AND TEETHING DELAY; LIPODYSTROPHY, PARTIAL, WITH RIEGER ANOMALY AND SHORT STATURE; PIK3R1-Related SHORT Syndrome. Identifiers: Orphanet 3163, MedGen C0878684, MONDO:0010026, OMIM 269880.
Immunodeficiency 36 with lymphoproliferation. Also called: Immunodeficiency 36; Activated PI3K Delta Syndrome Type 2 (APDS2); ACTIVATED PI3K-DELTA SYNDROME 2. Identifiers: Orphanet 397596, Orphanet 693681, MedGen C4014934, MONDO:0014453, OMIM 616005.

gnomAD v4.1: 1 of 1,613,866 alleles (0.000062%); highest among the groups gnomAD compares: Admixed American, 0.0017%; no homozygotes.

Submission:

Labcorp Genetics (formerly Invitae), Labcorp
Classification: Uncertain significance for SHORT syndrome; Immunodeficiency 36 with lymphoproliferation; Agammaglobulinemia 7, autosomal recessive. Last evaluated: 2025-11-19. Review status: criteria provided, single submitter. Criteria: Invitae Variant Classification Sherloc (09022015). Collection method: clinical testing. Allele origin: germline.
Comment: This sequence change replaces alanine, which is neutral and non-polar, with valine, which is neutral and non-polar, at codon 112 of the PIK3R1 protein (p.Ala112Val). This variant is not present in population databases (gnomAD no frequency). This variant has not been reported in the literature in individuals affected with PIK3R1-related conditions. An algorithm developed to predict the effect of missense changes on protein structure and function (PolyPhen-2) suggests that this variant is likely to be tolerated. In summary, the available evidence is currently insufficient to determine the role of this variant in disease. Therefore, it has been classified as a Variant of Uncertain Significance.

NM_181523.3(PIK3R1):c.335C>T (p.Ala112Val)

Gene: PIK3R1 (phosphoinositide-3-kinase regulatory subunit 1; plus strand). Cytogenetic location: 5q13.1.
Variant type: single nucleotide variant.
Coding change: c.335C>T on transcript NM_181523.3 (MANE Select); coding-DNA position 335, C replaced by T.
Protein change: p.Ala112Val; replaces alanine 112 with valine.
Molecular consequence: missense variant.
Genome position (GRCh38, 1-based): chr5:68,273,390, C>T. VCF-style: chr5-68273390-C-T. GRCh37 (hg19) VCF-style: chr5-67569218-C-T.
Other names: short protein forms A112V.
Identifiers: ClinVar variation 4791355 (VCV004791355.1).